The following is an entry in ClinVar:

ClinVar aggregate classification (germline): Uncertain significance. Review status: criteria provided, multiple submitters, no conflicts (2 of 4 stars). 4 submissions from 4 submitters: Uncertain significance (4). Last evaluated 2024-10-23.

Conditions:
EAST syndrome (SESAMES). Also called: SEIZURES, SENSORINEURAL DEAFNESS, ATAXIA, IMPAIRED INTELLECTUAL DEVELOPMENT, AND ELECTROLYTE IMBALANCE. Identifiers: Orphanet 199343, MedGen C2748572, MONDO:0013005, OMIM 612780.
Autosomal recessive nonsyndromic hearing loss 4 (DFNB4). Also called: FOXI1-Related Pendred Syndrome; KCNJ10-Related Pendred Syndrome; Enlarged vestibular aqueduct, digenic; Deafness, autosomal recessive 4; DEAFNESS, AUTOSOMAL RECESSIVE 4, WITH ENLARGED VESTIBULAR AQUEDUCT, DIGENIC; NEUROSENSORY NONSYNDROMIC RECESSIVE DEAFNESS 4. Identifiers: Orphanet 90636, MedGen C3538946, MONDO:0010933, OMIM 600791.
Pendred syndrome (PDS). Also called: DEAFNESS WITH GOITER; GOITER-DEAFNESS SYNDROME; Pendred Syndrome (PDS); HYPOTHYROIDISM, CONGENITAL, DUE TO DYSHORMONOGENESIS, 2B; Pendred's syndrome; THYROID DYSHORMONOGENESIS 2B. Identifiers: Orphanet 705, MedGen C0271829, MONDO:0010134, OMIM 274600.

Allele frequency attached by ClinVar (database versions not stated): gnomAD 0.00001; TOPMed 0.00001.
gnomAD v4.1: 29 of 1,584,356 alleles (0.0018%); highest among the groups gnomAD compares: Non-Finnish European, 0.0023%; no homozygotes.

Submissions (4):

GeneDx
Classification: Uncertain significance. Last evaluated: 2024-10-23. Review status: criteria provided, single submitter. Criteria: GeneDx Variant Classification Process June 2021. Collection method: clinical testing. Allele origin: germline. Affected: yes.
Comment: Observed with a second variant that is likely on the opposite allele (in trans) in two siblings with seizures, ataxia, spasticity, and developmental delay (PMID: 22612257); Not observed at significant frequency in large population cohorts (gnomAD); In silico analysis supports that this missense variant does not alter protein structure/function; This variant is associated with the following publications: (PMID: 22612257)

Labcorp Genetics (formerly Invitae), Labcorp
Classification: Uncertain significance for EAST syndrome. Last evaluated: 2022-06-29. Review status: criteria provided, single submitter. Criteria: Invitae Variant Classification Sherloc (09022015). Collection method: clinical testing. Allele origin: germline.
Comment: This sequence change replaces isoleucine, which is neutral and non-polar, with valine, which is neutral and non-polar, at codon 129 of the KCNJ10 protein (p.Ile129Val). This variant is not present in population databases (gnomAD no frequency). This missense change has been observed in individual(s) with SeSAME/EAST syndrome (PMID: 22612257). It has also been observed to segregate with disease in related individuals. ClinVar contains an entry for this variant (Variation ID: 582279). Algorithms developed to predict the effect of missense changes on protein structure and function are either unavailable or do not agree on the potential impact of this missense change (SIFT: "Tolerated"; PolyPhen-2: "Probably Damaging"; Align-GVGD: "Class C15"). In summary, the available evidence is currently insufficient to determine the role of this variant in disease. Therefore, it has been classified as a Variant of Uncertain Significance.

Blueprint Genetics
Classification: Uncertain significance. Last evaluated: 2022-06-08. Review status: criteria provided, single submitter. Criteria: ACMG Guidelines, 2015. Collection method: clinical testing. Allele origin: germline.

Fulgent Genetics
Classification: Uncertain significance for Pendred syndrome; Autosomal recessive nonsyndromic hearing loss 4; EAST syndrome. Last evaluated: 2021-09-12. Review status: criteria provided, single submitter. Criteria: ACMG Guidelines, 2015. Collection method: clinical testing. Allele origin: unknown.

Literature cited by the submitters: PubMed 22612257 (cited by Labcorp Genetics (formerly Invitae), Labcorp).

NM_002241.5(KCNJ10):c.385A>G (p.Ile129Val)

Gene: KCNJ10 (potassium inwardly rectifying channel subfamily J member 10; minus strand). Cytogenetic location: 1q23.2.
Variant type: single nucleotide variant.
Coding change: c.385A>G on transcript NM_002241.5 (MANE Select); coding-DNA position 385, A replaced by G.
Protein change: p.Ile129Val; replaces isoleucine 129 with valine.
Molecular consequence: missense variant.
Genome position (GRCh38, 1-based): chr1:160,042,148, T>C on the plus strand (A>G on the coding strand, the complement: KCNJ10 is on the minus strand). VCF-style: chr1-160042148-T-C. GRCh37 (hg19) VCF-style: chr1-160011938-T-C.
Other names: short protein forms I129V.
Identifiers: ClinVar variation 582279 (VCV000582279.11), dbSNP rs751625111, ClinGen allele CA343227850.
Genomic context (GRCh38, chr1:160,042,148, plus strand): 5'-CAATAAGAAGCACAATGGCCAGTGGACATTCCTCACTGATGTAGCGGAAGCCATAGCCAA[T>C]GGTGGTTTGGGATTCAAGGGAGAAGAGGAAGGCTCCAGTGAGTGTGTGCACCTGTACCAC-3'
Protein context (NP_002232.2, residues 119-139): FLFSLESQTT[Ile129Val]GYGFRYISEE